The following is an entry in ClinVar:

ClinVar aggregate classification (germline): Uncertain significance (0 of 4 stars; one submission).

Conditions:
CREBBP-related disorder. Also called: CREBBP-related condition; CREBBP-related disorders.

Submission:

PreventionGenetics, part of Exact Sciences
Classification: Uncertain significance for CREBBP-related condition. Last evaluated: 2023-10-25. Review status: no assertion criteria provided. Collection method: clinical testing. Allele origin: germline.
Comment: The CREBBP c.3845A>T variant is predicted to result in the amino acid substitution p.Asp1282Val. To our knowledge, this variant has not been reported in the literature or in a large population database, indicating this variant is rare. At this time, the clinical significance of this variant is uncertain due to the absence of conclusive functional and genetic evidence.

NM_004380.3(CREBBP):c.3845A>T (p.Asp1282Val)

Gene: CREBBP (CREB binding lysine acetyltransferase; minus strand). Cytogenetic location: 16p13.3.
Variant type: single nucleotide variant.
Coding change: c.3845A>T on transcript NM_004380.3 (MANE Select); coding-DNA position 3845, A replaced by T.
Protein change: p.Asp1282Val; replaces aspartic acid 1282 with valine.
Molecular consequence: missense variant.
Genome position (GRCh38, 1-based): chr16:3,745,346, T>A on the plus strand (A>T on the coding strand, the complement: CREBBP is on the minus strand). VCF-style: chr16-3745346-T-A. GRCh37 (hg19) VCF-style: chr16-3795347-T-A.
Other names: c.3731A>T, p.Asp1244Val (NM_001079846.1); short protein forms D1244V, D1282V.
Identifiers: ClinVar variation 3349070 (VCV003349070.1).